The following is an entry in ClinVar:

ClinVar aggregate classification (germline): Uncertain significance. Review status: criteria provided, single submitter (1 of 4 stars). 2 submissions from 2 submitters: Uncertain significance (1). 1 of the submissions does not count toward it. Last evaluated 2022-10-03.

Conditions:
Smith-Lemli-Opitz syndrome (SLOS). Also called: POLYDACTYLY, SEX REVERSAL, RENAL HYPOPLASIA, AND UNILOBAR LUNG; RSH SYNDROME; RUTLEDGE LETHAL MULTIPLE CONGENITAL ANOMALY SYNDROME; LETHAL ACRODYSGENITAL SYNDROME; 7-Dehydrocholesterol reductase deficiency. Identifiers: Orphanet 818, MedGen C0175694, MONDO:0010035, OMIM 270400.

Submissions (2):

Labcorp Genetics (formerly Invitae), Labcorp
Classification: Uncertain significance for Smith-Lemli-Opitz syndrome. Last evaluated: 2022-10-03. Review status: criteria provided, single submitter. Criteria: Invitae Variant Classification Sherloc (09022015). Collection method: clinical testing. Allele origin: germline.
Comment: In summary, the available evidence is currently insufficient to determine the role of this variant in disease. Therefore, it has been classified as a Variant of Uncertain Significance. Advanced modeling of protein sequence and biophysical properties (such as structural, functional, and spatial information, amino acid conservation, physicochemical variation, residue mobility, and thermodynamic stability) performed at Invitae indicates that this missense variant is not expected to disrupt DHCR7 protein function. ClinVar contains an entry for this variant (Variation ID: 851526). This variant has not been reported in the literature in individuals affected with DHCR7-related conditions. This variant is not present in population databases (gnomAD no frequency). This sequence change replaces leucine, which is neutral and non-polar, with proline, which is neutral and non-polar, at codon 15 of the DHCR7 protein (p.Leu15Pro).

Natera, Inc.
Classification: Uncertain significance for Smith-Lemli-Opitz syndrome. Last evaluated: 2025-05-08. Review status: no assertion criteria provided. Collection method: clinical testing. Allele origin: germline. Not counted in ClinVar's aggregate classification.

NM_001360.3(DHCR7):c.44T>C (p.Leu15Pro)

Gene: DHCR7 (7-dehydrocholesterol reductase; minus strand). Cytogenetic location: 11q13.4.
Variant type: single nucleotide variant.
Coding change: c.44T>C on transcript NM_001360.3 (MANE Select); coding-DNA position 44, T replaced by C.
Protein change: p.Leu15Pro; replaces leucine 15 with proline.
Molecular consequence: missense variant.
Genome position (GRCh38, 1-based): chr11:71,444,909, A>G on the plus strand (T>C on the coding strand, the complement: DHCR7 is on the minus strand). VCF-style: chr11-71444909-A-G. GRCh37 (hg19) VCF-style: chr11-71155955-A-G.
Other names: c.44T>C, p.Leu15Pro (NM_001163817.2); short protein forms L15P.
Identifiers: ClinVar variation 851526 (VCV000851526.10), dbSNP rs1949390350, ClinGen allele CA381696957.
Genomic context (GRCh38, chr11:71,444,909, plus strand): 5'-CCTTACCAGGCACGGCCCCACTGCCCTTGAGATGCGGTTCTGTCATTGGTGACGCCATCT[A>G]GACTCTTGGCTTTGGGAATGTTGGGTTGCGATTTTGCAGCCATTGGGCCCTGCAAGAAAG-3'
Protein context (NP_001351.2, residues 5-25): SQPNIPKAKS[Leu15Pro]DGVTNDRTAS